The following is an entry in ClinVar:

NM_000368.5(TSC1):c.156C>G (p.Thr52=)

Gene: TSC1 (TSC complex subunit 1; minus strand). Cytogenetic location: 9q34.13.
Variant type: single nucleotide variant.
Coding change: c.156C>G on transcript NM_000368.5 (MANE Select); coding-DNA position 156, C replaced by G.
Protein change: p.Thr52=; no amino-acid change (threonine 52 retained).
Molecular consequence: synonymous variant. On other transcripts: intron variant (1).
Genome position (GRCh38, 1-based): chr9:132,927,255, G>C on the plus strand (C>G on the coding strand, the complement: TSC1 is on the minus strand). VCF-style: chr9-132927255-G-C. GRCh37 (hg19) VCF-style: chr9-135802642-G-C.
Other names: c.156C>G (NM_000368.4); c.156C>G, p.Thr52= (NM_001162426.2, NM_001162427.2); c.-154+1512C>G (NM_001362177.2).
Identifiers: ClinVar variation 1617847 (VCV001617847.10), dbSNP rs1564503304, ClinGen allele CA467594278.

ClinVar aggregate classification (germline): Benign/Likely benign. Review status: criteria provided, multiple submitters, no conflicts (2 of 4 stars). 3 submissions from 3 submitters: Benign (1); Likely benign (2). Last evaluated 2025-04-07.

Conditions:
Hereditary cancer-predisposing syndrome. Also called: Neoplastic Syndromes, Hereditary; Hereditary neoplastic syndrome; Tumor predisposition; Hereditary Cancer Syndrome. Identifiers: Orphanet 140162, MedGen C0027672, MeSH D009386, MONDO:0015356.
Tuberous sclerosis 1 (TSC1). Identifiers: Orphanet 805, MedGen C1854465, MONDO:0008612, OMIM 191100.

Allele frequency attached by ClinVar (database versions not stated): gnomAD exomes below 0.00001.
gnomAD v4.1: 1 of 1,614,056 alleles (0.000062%); highest among the groups gnomAD compares: Non-Finnish European, 0.000085%; no homozygotes.

Submissions (3):

Myriad Genetics, Inc.
Classification: Benign for Tuberous sclerosis 1. Last evaluated: 2025-04-07. Review status: criteria provided, single submitter. Criteria: Myriad Autosomal Dominant, Autosomal Recessive and X-Linked Classification Criteria (2023). Collection method: clinical testing. Allele origin: unknown.
Comment: This variant is considered benign. This variant is a silent/synonymous amino acid change and it is not expected to impact splicing.

Labcorp Genetics (formerly Invitae), Labcorp
Classification: Likely benign for Tuberous sclerosis 1. Last evaluated: 2024-01-27. Review status: criteria provided, single submitter. Criteria: Invitae Variant Classification Sherloc (09022015). Collection method: clinical testing. Allele origin: germline.

Ambry Genetics
Classification: Likely benign for Hereditary cancer-predisposing syndrome. Last evaluated: 2023-03-12. Review status: criteria provided, single submitter. Criteria: Ambry Variant Classification Scheme 2023. Collection method: clinical testing. Allele origin: germline.